The following is an entry in ClinVar:

NM_000642.3(AGL):c.3221_3222del (p.Thr1074fs)

Gene: AGL (amylo-alpha-1,6-glucosidase and 4-alpha-glucanotransferase; plus strand). Cytogenetic location: 1p21.2.
Variant type: Microsatellite.
Coding change: c.3221_3222del on transcript NM_000642.3 (MANE Select); coding-DNA positions 3221 to 3222, 2 bases deleted (CA; older notation c.3221_3222delCA).
Protein change: p.Thr1074fs; shifts the reading frame from threonine 1074.
Molecular consequence: frameshift variant.
Genome position (GRCh38, 1-based): chr1:99,892,569-99,892,570, CA deleted; deleting any 2 consecutive bases within chr1:99,892,567-99,892,570 gives the same sequence; the c. name uses the placement nearest the transcript's 3' end. VCF-style (leftmost placement, unchanged base first): chr1-99892566-TCA-T. GRCh37 (hg19) VCF-style: chr1-100358122-TCA-T.
Other names: c.3219_3220CA[1], p.Thr1074Lysfs (NM_000028.3, NM_000643.3, NM_000644.3 and 1 more transcripts); c.3171_3172CA[1], p.Thr1058Lysfs (NM_000646.3); c.3198_3199CA[1], p.Thr1067Lysfs (NM_001425326.1); c.3018_3019CA[1], p.Thr1007Lysfs (NM_001425327.1); c.3015_3016CA[1], p.Thr1006Lysfs (NM_001425328.1); c.2880_2881CA[1], p.Thr961Lysfs (NM_001425329.1); c.2841_2842CA[1], p.Thr948Lysfs (NM_001425332.1); short protein forms T1058fs, T1074fs.
Identifiers: ClinVar variation 1724297 (VCV001724297.2), dbSNP rs2524732551, ClinGen allele CA2580611189.
Genomic context (GRCh38, chr1:99,892,566, plus strand): 5'-TCCCTTCCCTGCCAATTCTTTCACCTGCCCTAATGGATGTACCTTATAGGTTAAATGAGA[TCA>T]CAAAAGAAAAGGAGCAATGTTGTGTTTCTCTAGCTGCAGGTAAGGAATTATGTACAAGGT-3'

ClinVar aggregate classification (germline): Likely pathogenic (1 of 4 stars; one submission).

Conditions:
Glycogen storage disease type III (GSD3). Also called: FORBES DISEASE; Cori disease. Identifiers: Orphanet 366, MedGen C0017922, MONDO:0009291, OMIM 232400.

Submission:

Myriad Genetics, Inc.
Classification: Likely pathogenic for Glycogen storage disease type III. Last evaluated: 2022-02-05. Review status: criteria provided, single submitter. Criteria: Myriad Women's Health Autosomal Recessive and X-Linked Classification Criteria (2021). Collection method: clinical testing. Allele origin: unknown.
Comment: NM_000642.2(AGL):c.3221_3222delCA(T1074Kfs*34) is expected to be pathogenic in the context of glycogen storage disease type III. This variant is predicted to lead to an abnormal or absent protein product due to the creation of a premature termination codon in AGL, a gene where loss-of-function variants are known to be pathogenic. Please note: this variant was assessed in the context of healthy population screening.